The following is an entry in ClinVar:

NM_000051.4(ATM):c.7337A>G (p.Glu2446Gly)

Genes: ATM (ATM serine/threonine kinase; plus strand), C11orf65 (chromosome 11 open reading frame 65; minus strand). Cytogenetic location: 11q22.3.
Variant type: single nucleotide variant.
Coding change: c.7337A>G on transcript NM_000051.4 (MANE Select); coding-DNA position 7337, A replaced by G.
Protein change: p.Glu2446Gly; replaces glutamic acid 2446 with glycine.
Molecular consequence: missense variant. On other transcripts: intron variant (2).
Genome position (GRCh38, 1-based): chr11:108,330,243, A>G. VCF-style: chr11-108330243-A-G. GRCh37 (hg19) VCF-style: chr11-108200970-A-G.
Other names: c.7337A>G, p.Glu2446Gly (NM_001351834.2); c.641-21172T>C (NM_001330368.2); c.*38+4977T>C (NM_001351110.2); short protein forms E2446G.
Identifiers: ClinVar variation 482608 (VCV000482608.58), dbSNP rs1555122998, ClinGen allele CA382559913.

ClinVar aggregate classification (germline): Uncertain significance. Review status: criteria provided, multiple submitters, no conflicts (2 of 4 stars). 4 submissions from 4 submitters: Uncertain significance (4). Last evaluated 2025-07-27.

Conditions:
Hereditary cancer-predisposing syndrome. Also called: Neoplastic Syndromes, Hereditary; Hereditary Cancer Syndrome; Tumor predisposition; Hereditary neoplastic syndrome. Identifiers: Orphanet 140162, MedGen C0027672, MeSH D009386, MONDO:0015356.
Ataxia-telangiectasia syndrome (AT). Also called: LOUIS-BAR SYNDROME; Cerebello-oculocutaneous telangiectasia; Immunodeficiency with ataxia telangiectasia; Ataxia-telangiectasia, complementation group D; AT, COMPLEMENTATION GROUP C; Ataxia-telangiectasia, complementation group E. Identifiers: Orphanet 100, MedGen C0004135, MONDO:0008840, OMIM 208900.
Familial cancer of breast. Also called: Hereditary breast cancer; BREAST CANCER, FAMILIAL; hereditary breast carcinoma. Identifiers: Orphanet 227535, MedGen C0346153, MONDO:0016419, OMIM 114480. Disease mechanism: loss of function.

Submissions (4):

Labcorp Genetics (formerly Invitae), Labcorp
Classification: Uncertain significance for Ataxia-telangiectasia syndrome. Last evaluated: 2025-07-27. Review status: criteria provided, single submitter. Criteria: Invitae Variant Classification Sherloc (09022015). Collection method: clinical testing. Allele origin: germline.
Comment: This sequence change replaces glutamic acid, which is acidic and polar, with glycine, which is neutral and non-polar, at codon 2446 of the ATM protein (p.Glu2446Gly). This variant is not present in population databases (gnomAD no frequency). This variant has not been reported in the literature in individuals affected with ATM-related conditions. ClinVar contains an entry for this variant (Variation ID: 482608). Invitae Evidence Modeling of protein sequence and biophysical properties (such as structural, functional, and spatial information, amino acid conservation, physicochemical variation, residue mobility, and thermodynamic stability) has been performed for this missense variant. However, the output from this modeling did not meet the statistical confidence thresholds required to predict the impact of this variant on ATM protein function. Algorithms developed to predict the effect of sequence changes on RNA splicing suggest that this variant may disrupt the consensus splice site. In summary, the available evidence is currently insufficient to determine the role of this variant in disease. Therefore, it has been classified as a Variant of Uncertain Significance.

Ambry Genetics
Classification: Uncertain significance for Hereditary cancer-predisposing syndrome. Last evaluated: 2024-01-08. Review status: criteria provided, single submitter. Criteria: Ambry Variant Classification Scheme 2023. Collection method: clinical testing. Allele origin: germline.
Comment: The p.E2446G variant (also known as c.7337A>G), located in coding exon 49 of the ATM gene, results from an A to G substitution at nucleotide position 7337. The glutamic acid at codon 2446 is replaced by glycine, an amino acid with similar properties. This variant was not reported in population based cohorts in the following databases: Database of Single Nucleotide Polymorphisms (dbSNP), NHLBI Exome Sequencing Project (ESP), and 1000 Genomes Project. In the ESP, this variant was not observed in 6499 samples (12998 alleles) with coverage at this position. To date, this alteration has been detected with an allele frequency of approximately 0.001% (greater than 180000 alleles tested) in our clinical cohort. This amino acid position is well conserved in available vertebrate species. In addition, the in silico prediction for this alteration is inconclusive. Since supporting evidence is limited at this time, the clinical significance of this alteration remains unclear.

Color Diagnostics, LLC DBA Color Health
Classification: Uncertain significance for Hereditary cancer-predisposing syndrome. Last evaluated: 2023-12-04. Review status: criteria provided, single submitter. Criteria: ACMG Guidelines, 2015. Collection method: clinical testing. Allele origin: germline.
Comment: This missense variant replaces glutamic acid with glycine at codon 2446 of the ATM protein. Computational prediction is inconclusive regarding the impact of this variant on protein structure and function (internally defined REVEL score threshold 0.5 < inconclusive < 0.7, PMID: 27666373). To our knowledge, functional studies have not been reported for this variant. This variant has not been reported in individuals affected with ATM-related disorders in the literature. This variant has not been identified in the general population by the Genome Aggregation Database (gnomAD). The available evidence is insufficient to determine the role of this variant in disease conclusively. Therefore, this variant is classified as a Variant of Uncertain Significance.

Baylor Genetics
Classification: Uncertain significance for Familial cancer of breast. Last evaluated: 2023-10-15. Review status: criteria provided, single submitter. Criteria: ACMG Guidelines, 2015. Collection method: clinical testing. Allele origin: unknown.